The following is an entry in ClinVar:

ClinVar aggregate classification (germline): Uncertain significance (0 of 4 stars; one submission).

Submission:

Leiden Open Variation Database
Classification: Uncertain significance. Last evaluated: 2014-10-06. Review status: no assertion criteria provided. Collection method: curation. Allele origin: germline. Affected: yes.
Comment: Curator: Arleen D. Auerbach. Submitter to LOVD: Ana Osorio.

Literature cited by the submitters: PubMed 24027083.

NM_005236.3(ERCC4):c.540_541del (p.Arg180fs)

Gene: ERCC4 (ERCC excision repair 4, endonuclease catalytic subunit; plus strand). Cytogenetic location: 16p13.12.
Variant type: Microsatellite.
Coding change: c.540_541del on transcript NM_005236.3 (MANE Select); coding-DNA positions 540 to 541, 2 bases deleted (AG; older notation c.540_541delAG).
Protein change: p.Arg180fs; shifts the reading frame from arginine 180.
Molecular consequence: frameshift variant.
Genome position (GRCh38, 1-based): chr16:13,926,712-13,926,713, AG deleted; deleting any 2 consecutive bases within chr16:13,926,710-13,926,713 gives the same sequence; the c. name uses the placement nearest the transcript's 3' end. VCF-style (leftmost placement, unchanged base first): chr16-13926709-AAG-A. GRCh37 (hg19) VCF-style: chr16-14020566-AAG-A.
Other names: short protein forms R180fs.
Identifiers: ClinVar variation 929555 (VCV000929555.1), dbSNP rs2032079495, ClinGen allele CA2209065160.